The following is an entry in ClinVar:

NM_014140.4(SMARCAL1):c.454C>T (p.Pro152Ser)

Gene: SMARCAL1 (SNF2 related chromatin remodeling annealing helicase 1; plus strand). Cytogenetic location: 2q35.
Variant type: single nucleotide variant.
Coding change: c.454C>T on transcript NM_014140.4 (MANE Select); coding-DNA position 454, C replaced by T.
Protein change: p.Pro152Ser; replaces proline 152 with serine.
Molecular consequence: missense variant.
Genome position (GRCh38, 1-based): chr2:216,415,158, C>T. VCF-style: chr2-216415158-C-T. GRCh37 (hg19) VCF-style: chr2-217279881-C-T.
Other names: c.454C>T, p.Pro152Ser (NM_001127207.2); short protein forms P152S.
Identifiers: ClinVar variation 1350503 (VCV001350503.6), dbSNP rs1384608239, ClinGen allele CA350497340.
Genomic context (GRCh38, chr2:216,415,158, plus strand): 5'-GAGGTCCCTAAACAACAGCTCTTGAGTTATGAGTTAGGTCAAGGTCATGCTCAGGCTTCA[C>T]CTGAGATCAGGTTCACACCCTTTGCTAACCCAACTCATAAGCCTCTGGCCAAACCAAAGA-3'
Protein context (NP_054859.2, residues 142-162): ELGQGHAQAS[Pro152Ser]EIRFTPFANP

ClinVar aggregate classification (germline): Uncertain significance. Review status: criteria provided, multiple submitters, no conflicts (2 of 4 stars). 2 submissions from 2 submitters: Uncertain significance (2). Last evaluated 2024-05-13.

Conditions:
Schimke immuno-osseous dysplasia (SIOD). Also called: Schimke Immunoosseous Dysplasia. Identifiers: Orphanet 1830, MedGen C0877024, MONDO:0009458, OMIM 242900.

Allele frequency attached by ClinVar (database versions not stated): TOPMed 0.00001.

Submissions (2):

Fulgent Genetics
Classification: Uncertain significance for Schimke immuno-osseous dysplasia. Last evaluated: 2024-05-13. Review status: criteria provided, single submitter. Criteria: ACMG Guidelines, 2015. Collection method: clinical testing. Allele origin: germline.

Labcorp Genetics (formerly Invitae), Labcorp
Classification: Uncertain significance for Schimke immuno-osseous dysplasia. Last evaluated: 2021-08-28. Review status: criteria provided, single submitter. Criteria: Invitae Variant Classification Sherloc (09022015). Collection method: clinical testing. Allele origin: germline.
Comment: This sequence change replaces proline with serine at codon 152 of the SMARCAL1 protein (p.Pro152Ser). The proline residue is weakly conserved and there is a moderate physicochemical difference between proline and serine. This variant is not present in population databases (ExAC no frequency). This variant has not been reported in the literature in individuals affected with SMARCAL1-related conditions. Algorithms developed to predict the effect of missense changes on protein structure and function (SIFT, PolyPhen-2, Align-GVGD) all suggest that this variant is likely to be tolerated. In summary, the available evidence is currently insufficient to determine the role of this variant in disease. Therefore, it has been classified as a Variant of Uncertain Significance.